The following is an entry in ClinVar:

NM_001605.3(AARS1):c.704A>G (p.Lys235Arg)

Gene: AARS1 (alanyl-tRNA synthetase 1; minus strand). Cytogenetic location: 16q22.1.
Variant type: single nucleotide variant.
Coding change: c.704A>G on transcript NM_001605.3 (MANE Select); coding-DNA position 704, A replaced by G.
Protein change: p.Lys235Arg; replaces lysine 235 with arginine.
Molecular consequence: missense variant.
Genome position (GRCh38, 1-based): chr16:70,270,308, T>C on the plus strand (A>G on the coding strand, the complement: AARS1 is on the minus strand). VCF-style: chr16-70270308-T-C. GRCh37 (hg19) VCF-style: chr16-70304211-T-C.
Other names: c.704A>G (NM_001605.2); short protein forms K235R.
Identifiers: ClinVar variation 1682289 (VCV001682289.34), dbSNP rs755350912, ClinGen allele CA8141061.

ClinVar aggregate classification (germline): Conflicting classifications of pathogenicity. Review status: criteria provided, conflicting classifications (1 of 4 stars). 3 submissions from 3 submitters: Uncertain significance (2); Likely benign (1). Last evaluated 2026-04-14.

Conditions:
AARS1-related disorder. Also called: AARS1-related condition.
Charcot-Marie-Tooth disease type 2. Also called: Charcot-Marie-Tooth type 2. Identifiers: Orphanet 64746, MedGen C0270914, MONDO:0018993.

Allele frequency attached by ClinVar (database versions not stated): ExAC 0.00001; gnomAD exomes 0.00001; TOPMed 0.00001.
gnomAD v4.1: 16 of 1,614,182 alleles (0.00099%); highest among the groups gnomAD compares: Middle Eastern, 0.033%; no homozygotes.

Submissions (4):

PreventionGenetics, part of Exact Sciences
Classification: Uncertain significance for AARS1-related condition. Last evaluated: 2026-04-14. Review status: criteria provided, single submitter. Criteria: ACMG Guidelines, 2015. Collection method: clinical testing. Allele origin: germline.
Comment: The AARS1 c.704A>G variant is predicted to result in the amino acid substitution p.Lys235Arg. To our knowledge, this variant has not been reported in the literature. This variant is reported in 0.00088% of alleles in individuals of European (non-Finnish) descent in gnomAD. At this time, the clinical significance of this variant is uncertain due to the absence of conclusive functional and genetic evidence.

Labcorp Genetics (formerly Invitae), Labcorp
Classification: Uncertain significance for Charcot-Marie-Tooth disease type 2. Last evaluated: 2024-10-23. Review status: criteria provided, single submitter. Criteria: Invitae Variant Classification Sherloc (09022015). Collection method: clinical testing. Allele origin: germline.
Comment: This sequence change replaces lysine, which is basic and polar, with arginine, which is basic and polar, at codon 235 of the AARS protein (p.Lys235Arg). This variant is present in population databases (rs755350912, gnomAD 0.002%). This variant has not been reported in the literature in individuals affected with AARS-related conditions. ClinVar contains an entry for this variant (Variation ID: 1682289). Invitae Evidence Modeling of protein sequence and biophysical properties (such as structural, functional, and spatial information, amino acid conservation, physicochemical variation, residue mobility, and thermodynamic stability) indicates that this missense variant is not expected to disrupt AARS protein function with a negative predictive value of 95%. Algorithms developed to predict the effect of sequence changes on RNA splicing suggest that this variant may create or strengthen a splice site. In summary, the available evidence is currently insufficient to determine the role of this variant in disease. Therefore, it has been classified as a Variant of Uncertain Significance.

CeGaT Center for Human Genetics Tuebingen
Classification: Likely benign. Last evaluated: 2023-01-01. Review status: criteria provided, single submitter. Criteria: CeGaT Center For Human Genetics Tuebingen Variant Classification Criteria Version 2. Collection method: clinical testing. Allele origin: germline. Affected: yes. Observed: 2 variant alleles.
Comment: AARS1: BP4

Dr. Peter K. Rogan Lab, Western University
No classification provided (evidence only). Condition: Clear cell carcinoma of kidney. Review status: no classification provided. Collection method: in vitro. Allele origin: not applicable. Functional consequence: retained intron. Not counted in ClinVar's aggregate classification.